The following is an entry in ClinVar:

NM_000268.4(NF2):c.1574+1G>C

Gene: NF2 (NF2, moesin-ezrin-radixin like (MERLIN) tumor suppressor; plus strand). Cytogenetic location: 22q12.2.
Variant type: single nucleotide variant.
Coding change: c.1574+1G>C on transcript NM_000268.4 (MANE Select); the canonical splice donor site of the intron after coding-DNA position 1574, G replaced by C.
Molecular consequence: splice donor variant. On other transcripts: intron variant (1).
Genome position (GRCh38, 1-based): chr22:29,678,324, G>C. VCF-style: chr22-29678324-G-C. GRCh37 (hg19) VCF-style: chr22-30074313-G-C.
Other names: c.1574+1G>C (NM_016418.5, NM_181832.3, NM_001407060.1 and 2 more transcripts); c.1460+1G>C (NM_001407056.1, NM_001407053.1); c.1343+1G>C (NM_001407067.1); c.1040+1G>C (NM_001407065.1); c.1439+1G>C (NM_001407059.1, NM_001407057.1); c.448-16428G>C (NM_181833.3); c.1451+1G>C (NM_001407058.1, NM_181829.3, NM_001407054.1); c.1316+1G>C (NM_001407062.1); and 2 more.
Identifiers: ClinVar variation 4710616 (VCV004710616.1).

ClinVar aggregate classification (germline): Pathogenic (1 of 4 stars; one submission).

Conditions:
Neurofibromatosis, type 2 (SWNV). Also called: BILATERAL ACOUSTIC NEUROFIBROMATOSIS; NF2-Related Schwannomatosis; SCHWANNOMATOSIS, VESTIBULAR. Identifiers: Orphanet 637, MedGen C0027832, MONDO:0007039, OMIM 101000. Disease mechanism: loss of function.

Submission:

Labcorp Genetics (formerly Invitae), Labcorp
Classification: Pathogenic for Neurofibromatosis, type 2. Last evaluated: 2025-10-24. Review status: criteria provided, single submitter. Criteria: Invitae Variant Classification Sherloc (09022015). Collection method: clinical testing. Allele origin: germline.
Comment: This sequence change affects a donor splice site in intron 14 of the NF2 gene. It is expected to disrupt RNA splicing. Variants that disrupt the donor or acceptor splice site typically lead to a loss of protein function (PMID: 16199547), and loss-of-function variants in NF2 are known to be pathogenic (PMID: 9643284, 16983642). This variant is not present in population databases (gnomAD no frequency). Disruption of this splice site has been observed in individuals with neurofibromatosis type 2 (PMID: 9605590, 21563229). This variant is also known as VS14+1G>A. Algorithms developed to predict the effect of sequence changes on RNA splicing suggest that this variant may disrupt the consensus splice site. For these reasons, this variant has been classified as Pathogenic.

Literature cited by the submitters: PubMed 16199547; PubMed 9643284; PubMed 16983642; PubMed 9605590; PubMed 21563229.